The following is an entry in ClinVar:

NM_005909.5(MAP1B):c.4198A>G (p.Ser1400Gly)

Gene: MAP1B (microtubule associated protein 1B; plus strand). Cytogenetic location: 5q13.2.
Variant type: single nucleotide variant.
Coding change: c.4198A>G on transcript NM_005909.5 (MANE Select); coding-DNA position 4198, A replaced by G.
Protein change: p.Ser1400Gly; replaces serine 1400 with glycine.
Molecular consequence: missense variant.
Genome position (GRCh38, 1-based): chr5:72,197,553, A>G. VCF-style: chr5-72197553-A-G. GRCh37 (hg19) VCF-style: chr5-71493380-A-G.
Other names: MAP1B, SER1400GLY (rs753026898); c.3820A>G, p.Ser1274Gly (NM_001324255.2); short protein forms S1400G, S1274G.
Identifiers: ClinVar variation 1527914 (VCV001527914.3), dbSNP rs753026898, ClinGen allele CA3299124.

ClinVar aggregate classification (germline): Uncertain significance. Review status: criteria provided, single submitter (1 of 4 stars). 2 submissions from 2 submitters: Uncertain significance (1). 1 of the submissions does not count toward it. Last evaluated 2026-06-12.

Conditions:
MAP1B-related disorder. Also called: MAP1B-related condition.
Hearing loss, autosomal dominant 83. Also called: Deafness, autosomal dominant 83. Identifiers: MedGen C5676951, MONDO:0030723, OMIM 619808.

Allele frequency attached by ClinVar (database versions not stated): gnomAD 0.00001 and 0.00003; TOPMed 0.00006; ExAC 0.00007; gnomAD exomes 0.00007.

Submissions (2):

PreventionGenetics, part of Exact Sciences
Classification: Uncertain significance for MAP1B-related condition. Last evaluated: 2026-06-12. Review status: criteria provided, single submitter. Criteria: ACMG Guidelines, 2015. Collection method: clinical testing. Allele origin: germline.
Comment: The MAP1B c.4198A>G variant is predicted to result in the amino acid substitution p.Ser1400Gly. This variant segregated with autosomal dominant hearing loss in seven affected and four unaffected individuals from a three-generation family, with onset in most individuals in the second decade (Table S1, Cui et al. 2020. PubMed ID: 33268592). Patient derived cells showed reduced levels and deficient phosphorylation of the protein product (Cui et al. 2020. PubMed ID: 33268592). This variant is reported in 0.092% of alleles in individuals of East Asian descent in gnomAD, which is higher than expected for a highly penetrant causative variant of an autosomal dominant disorder. At this time, the clinical significance of this variant is uncertain due to the absence of conclusive functional and genetic evidence.

OMIM
Classification: Pathogenic for DEAFNESS, AUTOSOMAL DOMINANT 83 (1 family). Last evaluated: 2022-06-28. Review status: no assertion criteria provided. Collection method: literature only. Allele origin: germline. Not counted in ClinVar's aggregate classification.

Literature cited by the submitters: PubMed 33268592 (cited by OMIM).